The following is an entry in ClinVar:

NM_001029883.3(PCARE):c.778C>T (p.Pro260Ser)

Gene: PCARE (photoreceptor cilium actin regulator; minus strand). Cytogenetic location: 2p23.2.
Variant type: single nucleotide variant.
Coding change: c.778C>T on transcript NM_001029883.3 (MANE Select); coding-DNA position 778, C replaced by T.
Protein change: p.Pro260Ser; replaces proline 260 with serine.
Molecular consequence: missense variant.
Genome position (GRCh38, 1-based): chr2:29,073,484, G>A on the plus strand (C>T on the coding strand, the complement: PCARE is on the minus strand). VCF-style: chr2-29073484-G-A. GRCh37 (hg19) VCF-style: chr2-29296350-G-A.
Other names: short protein forms P260S.
Identifiers: ClinVar variation 1021982 (VCV001021982.5), dbSNP rs1667531185, ClinGen allele CA346481572.

ClinVar aggregate classification (germline): Uncertain significance. Review status: criteria provided, multiple submitters, no conflicts (2 of 4 stars). 2 submissions from 2 submitters: Uncertain significance (2). Last evaluated 2023-11-30.

gnomAD v4.1: 10 of 1,614,110 alleles (0.00062%); highest among the groups gnomAD compares: East Asian, 0.0067%; no homozygotes.

Submissions (2):

Blueprint Genetics
Classification: Uncertain significance. Last evaluated: 2023-11-30. Review status: criteria provided, single submitter. Criteria: ACMG Guidelines, 2015. Collection method: clinical testing. Allele origin: germline.

Labcorp Genetics (formerly Invitae), Labcorp
Classification: Uncertain significance. Last evaluated: 2022-09-07. Review status: criteria provided, single submitter. Criteria: Invitae Variant Classification Sherloc (09022015). Collection method: clinical testing. Allele origin: germline.
Comment: This sequence change replaces proline, which is neutral and non-polar, with serine, which is neutral and polar, at codon 260 of the PCARE protein (p.Pro260Ser). This variant is not present in population databases (gnomAD no frequency). This variant has not been reported in the literature in individuals affected with PCARE-related conditions. ClinVar contains an entry for this variant (Variation ID: 1021982). Algorithms developed to predict the effect of missense changes on protein structure and function (SIFT, PolyPhen-2, Align-GVGD) all suggest that this variant is likely to be tolerated. In summary, the available evidence is currently insufficient to determine the role of this variant in disease. Therefore, it has been classified as a Variant of Uncertain Significance.